The following is an entry in ClinVar:

NM_030667.3(PTPRO):c.1110C>G (p.Asn370Lys)

Gene: PTPRO (protein tyrosine phosphatase receptor type O; plus strand). Cytogenetic location: 12p12.3.
Variant type: single nucleotide variant.
Coding change: c.1110C>G on transcript NM_030667.3 (MANE Select); coding-DNA position 1110, C replaced by G.
Protein change: p.Asn370Lys; replaces asparagine 370 with lysine.
Molecular consequence: missense variant.
Genome position (GRCh38, 1-based): chr12:15,503,912, C>G. VCF-style: chr12-15503912-C-G. GRCh37 (hg19) VCF-style: chr12-15656846-C-G.
Other names: c.1110C>G, p.Asn370Lys (NM_002848.4); short protein forms N370K.
Identifiers: ClinVar variation 1315691 (VCV001315691.12), dbSNP rs61754411, ClinGen allele CA6466442.

ClinVar aggregate classification (germline): Benign/Likely benign. Review status: criteria provided, multiple submitters, no conflicts (2 of 4 stars). 5 submissions from 5 submitters: Benign (1); Likely benign (4). Last evaluated 2026-02-01.

Conditions:
Nephrotic syndrome, type 6 (NPHS6). Identifiers: Orphanet 656, MedGen C3280100, MONDO:0013619, OMIM 614196.

Allele frequency attached by ClinVar (database versions not stated): 1000 Genomes Project 0.00899; 1000 Genomes Project 30x 0.00953; TOPMed 0.01712; gnomAD 0.01848 and 0.01921; gnomAD exomes 0.01947; ESP Exome Variant Server 0.01969; ExAC 0.02053.
gnomAD v4.1: 40,563 of 1,572,542 alleles (2.6%); highest among the groups gnomAD compares: Non-Finnish European, 3.1%; 612 homozygotes.

Submissions (5):

Labcorp Genetics (formerly Invitae), Labcorp
Classification: Benign. Last evaluated: 2026-02-01. Review status: criteria provided, single submitter. Criteria: Invitae Variant Classification Sherloc (09022015). Collection method: clinical testing. Allele origin: germline.

Blueprint Genetics
Classification: Likely benign. Last evaluated: 2024-11-26. Review status: criteria provided, single submitter. Criteria: ACMG Guidelines, 2015. Collection method: clinical testing. Allele origin: germline.

Fulgent Genetics
Classification: Likely benign for Nephrotic syndrome, type 6. Last evaluated: 2021-08-27. Review status: criteria provided, single submitter. Criteria: ACMG Guidelines, 2015. Collection method: clinical testing. Allele origin: unknown.

GeneDx
Classification: Likely benign. Last evaluated: 2021-03-15. Review status: criteria provided, single submitter. Criteria: GeneDx Variant Classification Process June 2021. Collection method: clinical testing. Allele origin: germline. Affected: yes.
Comment: This variant is associated with the following publications: (PMID: 28199135)

Breakthrough Genomics
Classification: Likely benign. Review status: criteria provided, single submitter. Criteria: ACMG Guidelines, 2015. Collection method: not provided. Allele origin: germline. Inheritance: Autosomal recessive inheritance. Affected: yes.